The following is an entry in ClinVar:

ClinVar aggregate classification (germline): Uncertain significance (1 of 4 stars; one submission).

Allele frequency attached by ClinVar (database versions not stated): ExAC 0.00001; TOPMed 0.00001; ESP Exome Variant Server 0.00008.

Submission:

Labcorp Genetics (formerly Invitae), Labcorp
Classification: Uncertain significance. Last evaluated: 2025-06-09. Review status: criteria provided, single submitter. Criteria: Invitae Variant Classification Sherloc (09022015). Collection method: clinical testing. Allele origin: germline.
Comment: This sequence change replaces leucine, which is neutral and non-polar, with proline, which is neutral and non-polar, at codon 14 of the WISP3 protein (p.Leu14Pro). This variant is present in population databases (rs372585876, gnomAD 0.007%). This variant has not been reported in the literature in individuals affected with WISP3-related conditions. ClinVar contains an entry for this variant (Variation ID: 1926271). Invitae Evidence Modeling of protein sequence and biophysical properties (such as structural, functional, and spatial information, amino acid conservation, physicochemical variation, residue mobility, and thermodynamic stability) indicates that this missense variant is not expected to disrupt WISP3 protein function with a negative predictive value of 95%. In summary, the available evidence is currently insufficient to determine the role of this variant in disease. Therefore, it has been classified as a Variant of Uncertain Significance.

NM_198239.2(CCN6):c.41T>C (p.Leu14Pro)

Gene: CCN6 (cellular communication network factor 6; plus strand). Cytogenetic location: 6q21.
Variant type: single nucleotide variant.
Coding change: c.41T>C on transcript NM_198239.2 (MANE Select); coding-DNA position 41, T replaced by C.
Protein change: p.Leu14Pro; replaces leucine 14 with proline.
Molecular consequence: missense variant. On other transcripts: non-coding transcript variant (2).
Genome position (GRCh38, 1-based): chr6:112,054,398, T>C. VCF-style: chr6-112054398-T-C. GRCh37 (hg19) VCF-style: chr6-112375601-T-C.
Other names: c.41T>C, p.Leu14Pro (NM_003880.4); short protein forms L14P.
Identifiers: ClinVar variation 1926271 (VCV001926271.5), dbSNP rs372585876, ClinGen allele CA3963845.